The following is an entry in ClinVar:

NM_024685.4(BBS10):c.1250C>A (p.Ala417Glu)

Gene: BBS10 (Bardet-Biedl syndrome 10; minus strand). Cytogenetic location: 12q21.2.
Variant type: single nucleotide variant.
Coding change: c.1250C>A on transcript NM_024685.4 (MANE Select); coding-DNA position 1250, C replaced by A.
Protein change: p.Ala417Glu; replaces alanine 417 with glutamic acid.
Molecular consequence: missense variant.
Genome position (GRCh38, 1-based): chr12:76,346,735, G>T on the plus strand (C>A on the coding strand, the complement: BBS10 is on the minus strand). VCF-style: chr12-76346735-G-T. GRCh37 (hg19) VCF-style: chr12-76740515-G-T.
Other names: c.1250C>A, p.Ala417Glu (LRG_1255t1); short protein forms A417E.
Identifiers: ClinVar variation 520824 (VCV000520824.5), dbSNP rs537219462, ClinGen allele CA239331954.

ClinVar aggregate classification (germline): Uncertain significance. Review status: criteria provided, multiple submitters, no conflicts (2 of 4 stars). 2 submissions from 2 submitters: Uncertain significance (2). Last evaluated 2025-11-05.

Conditions:
BBS10-related disorder. Also called: BBS10-related condition.
Inborn genetic diseases. Identifiers: MedGen C0950123, MeSH D030342.

Allele frequency attached by ClinVar (database versions not stated): gnomAD 0.00001.

Submissions (2):

PreventionGenetics, part of Exact Sciences
Classification: Uncertain significance for BBS10-related condition. Last evaluated: 2025-11-05. Review status: criteria provided, single submitter. Criteria: ACMG Guidelines, 2015. Collection method: clinical testing. Allele origin: germline.
Comment: The BBS10 c.1250C>A variant is predicted to result in the amino acid substitution p.Ala417Glu. To our knowledge, this variant has not been reported in the literature or in a large population database (gnomAD), indicating this variant is rare. A different missense variant affecting the same nucleotide (c.1250C>T, p.Ala417Val) was reported along with a second variant in an individual with Bardet-Biedl syndrome (Janssen et al. 2010. PubMed ID: 21052717), however no additional information was provided to establish pathogenicity. At this time, the clinical significance of the c.1250C>A (p.Ala417Glu) variant is uncertain due to the absence of conclusive functional and genetic evidence.

Ambry Genetics
Classification: Uncertain significance for Inborn genetic diseases. Last evaluated: 2015-10-12. Review status: criteria provided, single submitter. Criteria: Ambry exome assertion method (8-5-2015). Collection method: clinical testing. Allele origin: germline. Affected: yes. Observed: 1 variant allele.

Literature cited by the submitters: PubMed 21052717 (cited by Ambry Genetics).